The following is an entry in ClinVar:

GRCh38/hg38 2q11.1-11.2(chr2:95435458-97633175)x1

Genes: ADRA2B (adrenoceptor alpha 2B; minus strand), ANKRD23 (ankyrin repeat domain 23; minus strand), ANKRD36 (ankyrin repeat domain 36; plus strand), ANKRD36B (ankyrin repeat domain 36B; minus strand), ANKRD36C (ankyrin repeat domain 36C; minus strand) and 133 more. Cytogenetic location: 2q11.1-11.2.
Variant type: copy number loss.
Change: copy number 1 (one copy instead of two) of chr2:95,435,458-97,633,175 (2.20 Mb, GRCh38 coordinates, 1-based), cytogenetic band 2q11.1-11.2.
Identifiers: ClinVar variation 4796325 (VCV004796325.1).

ClinVar aggregate classification (germline): Pathogenic (1 of 4 stars; one submission).

Submission:

Medical Genetic Center, Changzhi Maternal and Child Health Care Hospital
Classification: Pathogenic. Last evaluated: 2025-12-10. Review status: criteria provided, single submitter. Criteria: ACMG/ClinGen CNV Guidelines, 2019. Collection method: clinical testing. Allele origin: unknown.
Comment: 2A:2q11.2 recurrent region (includes ARID5A, TMEM127)